The following is an entry in ClinVar:

NM_001378107.1(R3HDM1):c.3038C>T (p.Ala1013Val)

Gene: R3HDM1 (R3H domain containing 1; plus strand). Cytogenetic location: 2q21.3.
Variant type: single nucleotide variant.
Coding change: c.3038C>T on transcript NM_001378107.1 (MANE Select); coding-DNA position 3038, C replaced by T.
Protein change: p.Ala1013Val; replaces alanine 1013 with valine.
Molecular consequence: missense variant.
Genome position (GRCh38, 1-based): chr2:135,722,542, C>T. VCF-style: chr2-135722542-C-T. GRCh37 (hg19) VCF-style: chr2-136480112-C-T.
Other names: NC_000002.11:g.136480112C>T; c.2936C>T, p.Ala979Val (NM_001282798.2, NM_001354200.2); c.2549C>T, p.Ala850Val (NM_001282799.2); c.2768C>T, p.Ala923Val (NM_001282800.2); c.2933C>T, p.Ala978Val (NM_001354199.2, NM_015361.4); short protein forms A1013V, A850V, A923V, A978V, A979V.
Identifiers: ClinVar variation 3388141 (VCV003388141.15).

ClinVar aggregate classification (germline): Likely benign (1 of 4 stars; one submission).

gnomAD v4.1: 1,677 of 1,612,620 alleles (0.1%); highest among the groups gnomAD compares: African/African-American, 0.67%; 10 homozygotes.

Submissions (2):

CeGaT Center for Human Genetics Tuebingen
Classification: Likely benign. Last evaluated: 2024-10-01. Review status: criteria provided, single submitter. Criteria: CeGaT Center For Human Genetics Tuebingen Variant Classification Criteria Version 2. Collection method: clinical testing. Allele origin: germline. Affected: yes. Observed: 1 variant allele.
Comment: R3HDM1: BS2

Dr. Peter K. Rogan Lab, Western University
No classification provided (evidence only). Condition: Malignant tumor of urinary bladder. Review status: no classification provided. Collection method: in vitro. Allele origin: not applicable. Functional consequence: retained intron. Not counted in ClinVar's aggregate classification.